The following is an entry in ClinVar:

NM_001372.4(DNAH9):c.6698T>C (p.Met2233Thr)

Gene: DNAH9 (dynein axonemal heavy chain 9; plus strand). Cytogenetic location: 17p12.
Variant type: single nucleotide variant.
Coding change: c.6698T>C on transcript NM_001372.4 (MANE Select); coding-DNA position 6698, T replaced by C.
Protein change: p.Met2233Thr; replaces methionine 2233 with threonine.
Molecular consequence: missense variant.
Genome position (GRCh38, 1-based): chr17:11,752,920, T>C. VCF-style: chr17-11752920-T-C. GRCh37 (hg19) VCF-style: chr17-11656237-T-C.
Other names: short protein forms M2233T.
Identifiers: ClinVar variation 3006564 (VCV003006564.3), dbSNP rs1309655385, ClinGen allele CA398194493.

ClinVar aggregate classification (germline): Uncertain significance (1 of 4 stars; one submission).

Allele frequency attached by ClinVar (database versions not stated): gnomAD exomes 0.00001.
gnomAD v4.1: 4 of 1,607,212 alleles (0.00025%); highest among the groups gnomAD compares: Non-Finnish European, 0.00026%; no homozygotes.

Submission:

Labcorp Genetics (formerly Invitae), Labcorp
Classification: Uncertain significance. Last evaluated: 2023-08-17. Review status: criteria provided, single submitter. Criteria: Invitae Variant Classification Sherloc (09022015). Collection method: clinical testing. Allele origin: germline.
Comment: In summary, the available evidence is currently insufficient to determine the role of this variant in disease. Therefore, it has been classified as a Variant of Uncertain Significance. Advanced modeling of protein sequence and biophysical properties (such as structural, functional, and spatial information, amino acid conservation, physicochemical variation, residue mobility, and thermodynamic stability) performed at Invitae indicates that this missense variant is expected to disrupt DNAH9 protein function. This variant has not been reported in the literature in individuals affected with DNAH9-related conditions. This variant is present in population databases (no rsID available, gnomAD 0.0009%). This sequence change replaces methionine, which is neutral and non-polar, with threonine, which is neutral and polar, at codon 2233 of the DNAH9 protein (p.Met2233Thr).